The following is an entry in ClinVar:

NM_000384.3(APOB):c.11596T>C (p.Ser3866Pro)

Gene: APOB (apolipoprotein B; minus strand). Cytogenetic location: 2p24.1.
Variant type: single nucleotide variant.
Coding change: c.11596T>C on transcript NM_000384.3 (MANE Select); coding-DNA position 11596, T replaced by C.
Protein change: p.Ser3866Pro; replaces serine 3866 with proline.
Molecular consequence: missense variant.
Genome position (GRCh38, 1-based): chr2:21,005,272, A>G on the plus strand (T>C on the coding strand, the complement: APOB is on the minus strand). VCF-style: chr2-21005272-A-G. GRCh37 (hg19) VCF-style: chr2-21228144-A-G.
Other names: short protein forms S3866P.
Identifiers: ClinVar variation 922779 (VCV000922779.8), dbSNP rs769732943, ClinGen allele CA046969.

ClinVar aggregate classification (germline): Uncertain significance. Review status: criteria provided, multiple submitters, no conflicts (2 of 4 stars). 3 submissions from 3 submitters: Uncertain significance (3). Last evaluated 2026-01-23.

Conditions:
Familial hypobetalipoproteinemia 1. Also called: Hypobetalipoproteinemia, normotriglyceridemic; Acanthocytosis with hypobetalipoproteinemia; APOB-Related Familial Hypobetalipoproteinemia. Identifiers: MedGen C4551990, MONDO:0014252, OMIM 615558.
Hypercholesterolemia, autosomal dominant, type B (FHCL2). Also called: Familial Hypercholesterolemia Type B; HYPERCHOLESTEROLEMIA, FAMILIAL, DUE TO LIGAND-DEFECTIVE APOLIPOPROTEIN B; Familial hypercholesterolemia 2; APOB-Related Familial Hypercholesterolemia, Autosomal Dominant; APOLIPOPROTEIN B-100, FAMILIAL DEFECTIVE; APOLIPOPROTEIN B-100, FAMILIAL LIGAND-DEFECTIVE. Identifiers: MedGen C1704417, MONDO:0007751, OMIM 144010.
Cardiovascular phenotype. Identifiers: MedGen CN230736.

Allele frequency attached by ClinVar (database versions not stated): gnomAD exomes below 0.00001 and 0.00003; ExAC 0.00002.
gnomAD v4.1: 43 of 1,614,096 alleles (0.0027%); highest among the groups gnomAD compares: Non-Finnish European, 0.0033%; no homozygotes.

Submissions (3):

Labcorp Genetics (formerly Invitae), Labcorp
Classification: Uncertain significance for Familial hypobetalipoproteinemia 1; Hypercholesterolemia, autosomal dominant, type B. Last evaluated: 2026-01-23. Review status: criteria provided, single submitter. Criteria: Invitae Variant Classification Sherloc (09022015). Collection method: clinical testing. Allele origin: germline.
Comment: This sequence change replaces serine, which is neutral and polar, with proline, which is neutral and non-polar, at codon 3866 of the APOB protein (p.Ser3866Pro). This variant is present in population databases (rs769732943, gnomAD 0.002%). This variant has not been reported in the literature in individuals affected with APOB-related conditions. ClinVar contains an entry for this variant (Variation ID: 922779). Invitae Evidence Modeling of protein sequence and biophysical properties (such as structural, functional, and spatial information, amino acid conservation, physicochemical variation, residue mobility, and thermodynamic stability) indicates that this missense variant is not expected to disrupt APOB protein function with a negative predictive value of 95%. In summary, the available evidence is currently insufficient to determine the role of this variant in disease. Therefore, it has been classified as a Variant of Uncertain Significance.

GeneDx
Classification: Uncertain significance. Last evaluated: 2023-11-01. Review status: criteria provided, single submitter. Criteria: GeneDx Variant Classification Process June 2021. Collection method: clinical testing. Allele origin: germline. Affected: yes.
Comment: Not observed at significant frequency in large population cohorts (gnomAD); In silico analysis supports that this missense variant does not alter protein structure/function; Has not been previously published as pathogenic or benign to our knowledge

Ambry Genetics
Classification: Uncertain significance for Cardiovascular phenotype. Last evaluated: 2021-08-19. Review status: criteria provided, single submitter. Criteria: Ambry Variant Classification Scheme 2023. Collection method: clinical testing. Allele origin: germline.
Comment: The p.S3866P variant (also known as c.11596T>C), located in coding exon 26 of the APOB gene, results from a T to C substitution at nucleotide position 11596. The serine at codon 3866 is replaced by proline, an amino acid with similar properties. This amino acid position is conserved. In addition, this alteration is predicted to be tolerated by in silico analysis. Since supporting evidence is limited at this time, the clinical significance of this alteration remains unclear.